The following is an entry in ClinVar:

ClinVar aggregate classification (germline): Benign (1 of 4 stars; one submission).

Allele frequency attached by ClinVar (database versions not stated): gnomAD 0.84291 and 0.84516; TOPMed 0.85458; 1000 Genomes Project 0.88578; 1000 Genomes Project 30x 0.88585.
gnomAD v4.1: 128,223 of 152,192 alleles (84%); highest among the groups gnomAD compares: East Asian, 98%; 54,565 homozygotes.

Submission:

GeneDx
Classification: Benign. Last evaluated: 2018-06-18. Review status: criteria provided, single submitter. Criteria: GeneDx Variant Classification (06012015). Collection method: clinical testing. Allele origin: germline. Affected: yes.
Comment: This variant is considered likely benign or benign based on one or more of the following criteria: it is a conservative change, it occurs at a poorly conserved position in the protein, it is predicted to be benign by multiple in silico algorithms, and/or has population frequency not consistent with disease.

NM_000089.4(COL1A2):c.1720-316T>C

Gene: COL1A2 (collagen type I alpha 2 chain; plus strand). Cytogenetic location: 7q21.3.
Variant type: single nucleotide variant.
Coding change: c.1720-316T>C on transcript NM_000089.4 (MANE Select); 316 bases into the intron before coding-DNA position 1720, T replaced by C.
Molecular consequence: intron variant.
Genome position (GRCh38, 1-based): chr7:94,414,910, T>C. VCF-style: chr7-94414910-T-C. GRCh37 (hg19) VCF-style: chr7-94044222-T-C.
Identifiers: ClinVar variation 683330 (VCV000683330.1), dbSNP rs42525, ClinGen allele CA162927828.